The following is an entry in ClinVar:

NM_007194.4(CHEK2):c.1054A>C (p.Asn352His)

Gene: CHEK2 (checkpoint kinase 2; minus strand). Cytogenetic location: 22q12.1.
Variant type: single nucleotide variant.
Coding change: c.1054A>C on transcript NM_007194.4 (MANE Select); coding-DNA position 1054, A replaced by C.
Protein change: p.Asn352His; replaces asparagine 352 with histidine.
Molecular consequence: missense variant. On other transcripts: intron variant (3).
Genome position (GRCh38, 1-based): chr22:28,696,942, T>G on the plus strand (A>C on the coding strand, the complement: CHEK2 is on the minus strand). VCF-style: chr22-28696942-T-G. GRCh37 (hg19) VCF-style: chr22-29092930-T-G.
Other names: c.853A>C, p.Asn285His (NM_001349956.3); c.391A>C, p.Asn131His (NM_001437942.1, NM_001257387.3); c.1147A>C, p.Asn383His (NM_001438293.1); c.1009-1069A>C (NM_145862.3); c.1138-1069A>C (NM_001438294.1); c.1102-1069A>C (NM_001438295.1); c.1183A>C, p.Asn395His (NM_001005735.3); short protein forms N352H, N395H, N131H, N285H, N383H.
Identifiers: ClinVar variation 479546 (VCV000479546.16), dbSNP rs1361935182, ClinGen allele CA411097649.

ClinVar aggregate classification (germline): Uncertain significance. Review status: criteria provided, multiple submitters, no conflicts (2 of 4 stars). 2 submissions from 2 submitters: Uncertain significance (2). Last evaluated 2025-11-04.

Conditions:
Familial cancer of breast. Also called: BREAST CANCER, FAMILIAL; Hereditary breast cancer; hereditary breast carcinoma. Identifiers: Orphanet 227535, MedGen C0346153, MONDO:0016419, OMIM 114480. Disease mechanism: loss of function.
Hereditary cancer-predisposing syndrome. Also called: Hereditary Cancer Syndrome; Neoplastic Syndromes, Hereditary; Tumor predisposition; Hereditary neoplastic syndrome. Identifiers: Orphanet 140162, MedGen C0027672, MeSH D009386, MONDO:0015356.

Allele frequency attached by ClinVar (database versions not stated): gnomAD exomes below 0.00001.
gnomAD v4.1: 2 of 1,613,578 alleles (0.00012%); highest among the groups gnomAD compares: Admixed American, 0.0017%; no homozygotes.

Submissions (2):

Ambry Genetics
Classification: Uncertain significance for Hereditary cancer-predisposing syndrome. Last evaluated: 2025-11-04. Review status: criteria provided, single submitter. Criteria: Ambry Variant Classification Scheme 2023. Collection method: clinical testing. Allele origin: germline.
Comment: The p.N352H variant (also known as c.1054A>C), located in coding exon 9 of the CHEK2 gene, results from an A to C substitution at nucleotide position 1054. The asparagine at codon 352 is replaced by histidine, an amino acid with similar properties. This variant was not reported in population based cohorts in the following databases: Database of Single Nucleotide Polymorphisms (dbSNP), NHLBI Exome Sequencing Project (ESP), and 1000 Genomes Project. In the ESP, this variant was not observed in 6503 samples (13006 alleles) with coverage at this position. To date, this alteration has been detected with an allele frequency of approximately 0.001% (greater than 130000 alleles tested) in our clinical cohort. This amino acid position is highly conserved in available vertebrate species. In addition, this alteration is predicted to be deleterious by in silico analysis. Since supporting evidence is limited at this time, the clinical significance of this alteration remains unclear.

Labcorp Genetics (formerly Invitae), Labcorp
Classification: Uncertain significance for Familial cancer of breast. Last evaluated: 2024-10-10. Review status: criteria provided, single submitter. Criteria: Invitae Variant Classification Sherloc (09022015). Collection method: clinical testing. Allele origin: germline.
Comment: This sequence change replaces asparagine, which is neutral and polar, with histidine, which is basic and polar, at codon 352 of the CHEK2 protein (p.Asn352His). This variant is present in population databases (no rsID available, gnomAD 0.003%). This variant has not been reported in the literature in individuals affected with CHEK2-related conditions. ClinVar contains an entry for this variant (Variation ID: 479546). An algorithm developed to predict the effect of missense changes on protein structure and function (PolyPhen-2) suggests that this variant is likely to be disruptive. In summary, the available evidence is currently insufficient to determine the role of this variant in disease. Therefore, it has been classified as a Variant of Uncertain Significance.